The following is an entry in ClinVar:

NM_000746.6(CHRNA7):c.56-6C>G

Gene: CHRNA7 (cholinergic receptor nicotinic alpha 7 subunit). Cytogenetic location: 15q13.3.
Variant type: single nucleotide variant.
Coding change: c.56-6C>G on transcript NM_000746.6 (MANE Select); 6 bases into the intron before coding-DNA position 56, C replaced by G.
Molecular consequence: intron variant.
Genome position (GRCh38, 1-based): chr15:32,030,892, C>G. VCF-style: chr15-32030892-C-G. GRCh37 (hg19) VCF-style: chr15-32323095-C-G.
Other names: c.143-6C>G (NM_001190455.3).
Identifiers: ClinVar variation 737449 (VCV000737449.6), dbSNP rs201727782, ClinGen allele CA7454101.

ClinVar aggregate classification (germline): Likely benign. Review status: criteria provided, single submitter (1 of 4 stars). 2 submissions from 2 submitters: Likely benign (1). 1 of the submissions does not count toward it. Last evaluated 2019-12-31.

Conditions:
CHRNA7-related disorder. Also called: CHRNA7-related condition.

Allele frequency attached by ClinVar (database versions not stated): gnomAD 0.00016 and 0.00017; TOPMed 0.00018; ExAC 0.00025; ESP Exome Variant Server 0.00038.
gnomAD v4.1: 175 of 1,613,616 alleles (0.011%); highest among the groups gnomAD compares: Middle Eastern, 0.049%; no homozygotes.

Submissions (2):

Labcorp Genetics (formerly Invitae), Labcorp
Classification: Likely benign. Last evaluated: 2019-12-31. Review status: criteria provided, single submitter. Criteria: Invitae Variant Classification Sherloc (09022015). Collection method: clinical testing. Allele origin: germline.

PreventionGenetics, part of Exact Sciences
Classification: Likely benign for CHRNA7-related condition. Last evaluated: 2021-05-25. Review status: no assertion criteria provided. Collection method: clinical testing. Allele origin: germline. Not counted in ClinVar's aggregate classification.
Comment: This variant is classified as likely benign based on ACMG/AMP sequence variant interpretation guidelines (Richards et al. 2015 PMID: 25741868, with internal and published modifications).